The following is an entry in ClinVar:

NM_000243.3(MEFV):c.2078TGA[1] (p.Met694del)

Genes: MEFV (MEFV innate immunity regulator, pyrin; minus strand), LOC126862264 (CDK7 strongly-dependent group 2 enhancer GRCh37_chr16:3293322-3294521; plus strand). Cytogenetic location: 16p13.3.
Variant type: Microsatellite.
Coding change: c.2078TGA[1] on transcript NM_000243.3 (MANE Select); one copy of the 3-base unit TGA starting at c.2078; the reference has two copies in a row; one copy, 3 bases deleted.
Protein change: p.Met694del; deletes methionine 694.
Molecular consequence: inframe deletion. On other transcripts: 3 prime UTR variant (1).
Genome position (GRCh38, 1-based): chr16:3,243,404-3,243,406, TCA deleted on the plus strand (TGA on the coding strand, the reverse complement: MEFV is on the minus strand); deleting any 3 consecutive bases within chr16:3,243,404-3,243,410 gives the same sequence; the position shown is the placement nearest the transcript's 3' end. VCF-style (leftmost placement, unchanged base first): chr16-3243403-TTCA-T. GRCh37 (hg19) VCF-style: chr16-3293403-TTCA-T.
Other names: c.*282TGA[1] (NM_001198536.2); c.2081_2083delTGA (NM_000243.2); short protein forms M694del.
Identifiers: ClinVar variation 2556 (VCV000002556.19), dbSNP rs104895091, ClinGen allele CA280509.
Genomic context (GRCh38, chr16:3,243,403, plus strand): 5'-GGAGGCTCCTTTATTAGCAGGCGGGTCGGGGGAACGCTGGACGCCTGGTACTCATTTTCC[TTCA>T]TCATTATCACCACCCAGTAGCCATTCTCTGGCGACAGAGTCATGTTCCCTTTCCTGCTTA-3'

ClinVar aggregate classification (germline): Conflicting classifications of pathogenicity. Review status: criteria provided, conflicting classifications (1 of 4 stars). 9 submissions from 9 submitters: Pathogenic (2); Likely pathogenic (1); Uncertain significance (2). 4 of the submissions do not count toward it. Last evaluated 2026-04-10.

Conditions:
MEFV-related disorder. Also called: MEFV-related disorders; MEFV-related condition.
Familial Mediterranean fever (FMF). Also called: Periodic peritonitis; Benign paroxysmal peritonitis; POLYSEROSITIS, FAMILIAL PAROXYSMAL; POLYSEROSITIS, RECURRENT. Identifiers: Orphanet 342, MedGen C0031069, MONDO:0018088, OMIM 249100. Disease mechanism: gain of function.
Familial Mediterranean fever, autosomal dominant. Also called: FMF, AUTOSOMAL DOMINANT; Dominant Familial Mediterranean Fever. Identifiers: Orphanet 342, MedGen C1851347, MONDO:0007601, OMIM 134610.

Submissions (9):

PreventionGenetics, part of Exact Sciences
Classification: Likely pathogenic for MEFV-related condition. Last evaluated: 2026-04-10. Review status: criteria provided, single submitter. Criteria: ACMG Guidelines, 2015. Collection method: clinical testing. Allele origin: germline.
Comment: The MEFV c.2081_2083delTGA variant is predicted to result in an in-frame deletion (p.Met694del). This variant has been reported in multiple individuals with familial Mediterranean fever (FMF)(Booth et al. 2000. PubMed ID: 10787449; Rowczenio et al. 2016. PubMed ID: 27150194; Booty et al. 2009. PubMed ID: 19479870). A functional study shows this variant results in a gain of function and increased cell death (Honda et al. 2021. PubMed ID: 33733382). This variant is reported in 0.0018% of alleles in individuals of European (non-Finnish) descent in gnomAD. Taken together, this variant is classified as likely pathogenic.

ARUP Laboratories, Molecular Genetics and Genomics, ARUP Laboratories
Classification: Pathogenic. Last evaluated: 2023-03-10. Review status: criteria provided, single submitter. Criteria: ARUP Molecular Germline Variant Investigation Process 2024. Collection method: clinical testing. Allele origin: germline.
Comment: The MEFV c.2081_2083del; p.Met694del variant (rs104895091) is reported in the literature in multiple individuals and families with a clinical diagnosis of familial Mediterranean fever; individuals of northern European ancestry often had clinical symptoms without an additional pathogenic variant (Booth 2000, Booty 2009, Rowczenio 2017), whereas two individuals of Moroccan ancestry had an additional pathogenic variant consistent with autosomal recessive inheritance (Belmahi 2012). This variant is also reported in ClinVar (Variation ID: 2556), but is only observed on two alleles in the Genome Aggregation Database, indicating it is not a common polymorphism. This variant deletes a single methionine residue leaving the rest of the protein in-frame. Considering available information, this variant is classified as pathogenic. References: Belmahi L et al. MEFV mutations in Moroccan patients suffering from familial Mediterranean Fever. Rheumatol Int. 2012 Apr;32(4):981-4. PMID: 21246368. Booth DR et al. The genetic basis of autosomal dominant familial Mediterranean fever. QJM. 2000 Apr;93(4):217-21. PMID: 10787449. Booty MG et al. Familial Mediterranean fever with a single MEFV mutation: where is the second hit? Arthritis Rheum. 2009 Jun;60(6):1851-61. PMID: 19479870. Rowczenio DM et al. Autosomal dominant familial Mediterranean fever in Northern European Caucasians associated with deletion of p.M694 residue-a case series and genetic exploration. Rheumatology (Oxford). 2017 Feb;56(2):209-213. PMID: 27150194.

Labcorp Genetics (formerly Invitae), Labcorp
Classification: Uncertain significance for Familial Mediterranean fever. Last evaluated: 2022-08-19. Review status: criteria provided, single submitter. Criteria: Invitae Variant Classification Sherloc (09022015). Collection method: clinical testing. Allele origin: germline.
Comment: This variant, c.2081_2083del, results in the deletion of 1 amino acid(s) of the MEFV protein (p.Met694del), but otherwise preserves the integrity of the reading frame. This variant is present in population databases (rs104895091, gnomAD 0.002%). This variant has been observed in individual(s) with Familial Mediterranean Fever (PMID: 10024914, 10787449, 19479870, 21246368, 29047407). ClinVar contains an entry for this variant (Variation ID: 2556). Algorithms developed to predict the effect of variants on protein structure and function are not available or were not evaluated for this variant. Experimental studies have shown that this variant affects MEFV function (PMID: 33733382). In summary, the available evidence is currently insufficient to determine the role of this variant in disease. Therefore, it has been classified as a Variant of Uncertain Significance.

Mendelics
Classification: Uncertain significance for Familial Mediterranean fever. Last evaluated: 2019-05-28. Review status: criteria provided, single submitter. Criteria: Mendelics Assertion Criteria 2017. Collection method: clinical testing. Allele origin: unknown.

Women's Health and Genetics/Laboratory Corporation of America, LabCorp
Classification: Pathogenic for Familial Mediterranean fever. Last evaluated: 2016-06-13. Review status: criteria provided, single submitter. Criteria: LabCorp Variant Classification Summary - May 2015. Collection method: clinical testing. Allele origin: germline.
Comment: Variant summary: The MEFV c.2081_2083delTGA (p.Met694del) variant involves an in-frame deletion of three nucleotides. One in silico tool predicts a benign outcome for this variant. The variant is absent in 121410 control chromosomes while it was reported in several FMF patients in heterozygosity indicating a dominant inheritance. Taken together, this variant is classified as pathogenic.

Natera, Inc.
Classification: Pathogenic for Familial Mediterranean fever. Last evaluated: 2020-09-16. Review status: no assertion criteria provided. Collection method: clinical testing. Allele origin: germline. Not counted in ClinVar's aggregate classification.

OMIM
Classification: Pathogenic for FAMILIAL MEDITERRANEAN FEVER, AUTOSOMAL DOMINANT. Last evaluated: 2000-04-01. Review status: no assertion criteria provided. Collection method: literature only. Allele origin: germline. Not counted in ClinVar's aggregate classification.

GeneReviews
No classification provided. Condition: Familial Mediterranean fever. Review status: no classification provided. Collection method: literature only. Allele origin: germline. Affected: yes. Not counted in ClinVar's aggregate classification.

Unité médicale des maladies autoinflammatoires, CHRU Montpellier
No classification provided. Condition: Familial Mediterranean fever. Review status: no classification provided. Collection method: not provided. Allele origin: unknown. Not counted in ClinVar's aggregate classification.

Literature cited by the submitters: PubMed 10024914 (cited by Labcorp Genetics (formerly Invitae), Labcorp and Women's Health and Genetics/Laboratory Corporation of America, LabCorp); PubMed 10787449 (cited by 3 submitters); PubMed 19479870 (cited by Labcorp Genetics (formerly Invitae), Labcorp and Women's Health and Genetics/Laboratory Corporation of America, LabCorp); PubMed 21246368 (cited by Labcorp Genetics (formerly Invitae), Labcorp); PubMed 29047407 (cited by Labcorp Genetics (formerly Invitae), Labcorp); PubMed 33733382 (cited by Labcorp Genetics (formerly Invitae), Labcorp); PubMed 11464238 (cited by Women's Health and Genetics/Laboratory Corporation of America, LabCorp); PubMed 15951859 (cited by Women's Health and Genetics/Laboratory Corporation of America, LabCorp); PubMed 25760918 (cited by Women's Health and Genetics/Laboratory Corporation of America, LabCorp); PubMed 16120953 (cited by Women's Health and Genetics/Laboratory Corporation of America, LabCorp); PubMed 9668175 (cited by Women's Health and Genetics/Laboratory Corporation of America, LabCorp); PubMed 15018633 (cited by Women's Health and Genetics/Laboratory Corporation of America, LabCorp); PubMed 10090880 (cited by Women's Health and Genetics/Laboratory Corporation of America, LabCorp); PubMed 21727933 (cited by Women's Health and Genetics/Laboratory Corporation of America, LabCorp); PubMed 17592559 (cited by Women's Health and Genetics/Laboratory Corporation of America, LabCorp); PubMed 19863562 (cited by GeneReviews); PubMed 27150194 (cited by GeneReviews); NCBI Bookshelf NBK1227 (cited by GeneReviews).